The following is an entry in ClinVar:

ClinVar aggregate classification (germline): Pathogenic (1 of 4 stars; one submission).

Submission:

Labcorp Genetics (formerly Invitae), Labcorp
Classification: Pathogenic. Last evaluated: 2023-02-14. Review status: criteria provided, single submitter. Criteria: Invitae Variant Classification Sherloc (09022015). Collection method: clinical testing. Allele origin: germline.
Comment: This sequence change creates a premature translational stop signal (p.Ala698Cysfs*42) in the C7 gene. It is expected to result in an absent or disrupted protein product. Loss-of-function variants in C7 are known to be pathogenic (PMID: 9856499, 17407100). This variant is not present in population databases (gnomAD no frequency). This variant has not been reported in the literature in individuals affected with C7-related conditions. For these reasons, this variant has been classified as Pathogenic.

Literature cited by the submitters: PubMed 9856499; PubMed 17407100.

NM_000587.4(C7):c.2092_2095del (p.Ala698fs)

Gene: C7 (complement C7; plus strand). Cytogenetic location: 5p13.1.
Variant type: Deletion.
Coding change: c.2092_2095del on transcript NM_000587.4 (MANE Select); coding-DNA positions 2092 to 2095, 4 bases deleted (GCAG; older notation c.2092_2095delGCAG).
Protein change: p.Ala698fs; shifts the reading frame from alanine 698.
Molecular consequence: frameshift variant.
Genome position (GRCh38, 1-based): chr5:40,976,767-40,976,770, GCAG deleted; deleting any 4 consecutive bases within chr5:40,976,764-40,976,770 gives the same sequence; the c. name uses the placement nearest the transcript's 3' end. VCF-style (leftmost placement, unchanged base first): chr5-40976763-ACAGG-A. GRCh37 (hg19) VCF-style: chr5-40976865-ACAGG-A.
Other names: short protein forms A698fs.
Identifiers: ClinVar variation 2801945 (VCV002801945.3), dbSNP rs2478276765, ClinGen allele CA2739274701.